The following is an entry in ClinVar:

ClinVar aggregate classification (germline): Uncertain significance (1 of 4 stars; one submission).

Allele frequency attached by ClinVar (database versions not stated): TOPMed below 0.00001.

Submission:

GeneDx
Classification: Uncertain significance. Last evaluated: 2022-12-11. Review status: criteria provided, single submitter. Criteria: GeneDx Variant Classification Process June 2021. Collection method: clinical testing. Allele origin: germline. Affected: yes.
Comment: Not observed at significant frequency in large population cohorts (gnomAD); In silico analysis supports that this missense variant does not alter protein structure/function; Has not been previously published as pathogenic or benign to our knowledge

NM_001206999.2(CIT):c.1873G>A (p.Ala625Thr)

Gene: CIT (citron rho-interacting serine/threonine kinase; minus strand). Cytogenetic location: 12q24.23.
Variant type: single nucleotide variant.
Coding change: c.1873G>A on transcript NM_001206999.2 (MANE Select); coding-DNA position 1873, G replaced by A.
Protein change: p.Ala625Thr; replaces alanine 625 with threonine.
Molecular consequence: missense variant.
Genome position (GRCh38, 1-based): chr12:119,776,372, C>T on the plus strand (G>A on the coding strand, the complement: CIT is on the minus strand). VCF-style: chr12-119776372-C-T. GRCh37 (hg19) VCF-style: chr12-120214176-C-T.
Other names: c.1873G>A, p.Ala625Thr (NM_007174.3); short protein forms A625T.
Identifiers: ClinVar variation 2504682 (VCV002504682.1), dbSNP rs923215249, ClinGen allele CA244351389.
Genomic context (GRCh38, chr12:119,776,372, plus strand): 5'-TATCTACCCAAAATATTAATAGCAAAACCAATCATGGAAAGTATACCTTCTCCAGTTTCG[C>T]ATATTCTCCCACTTCAGGCTTCCCTTGATCCTTAGCCTGTAATTAAAAAGACACAACATA-3'
Protein context (NP_001193928.1, residues 615-635): DQGKPEVGEY[Ala625Thr]KLEKINAEQQ